The following is an entry in ClinVar:

NM_000214.3(JAG1):c.3209T>C (p.Val1070Ala)

Gene: JAG1 (jagged canonical Notch ligand 1; minus strand). Cytogenetic location: 20p12.2.
Variant type: single nucleotide variant.
Coding change: c.3209T>C on transcript NM_000214.3 (MANE Select); coding-DNA position 3209, T replaced by C.
Protein change: p.Val1070Ala; replaces valine 1070 with alanine.
Molecular consequence: missense variant.
Genome position (GRCh38, 1-based): chr20:10,639,946, A>G on the plus strand (T>C on the coding strand, the complement: JAG1 is on the minus strand). VCF-style: chr20-10639946-A-G. GRCh37 (hg19) VCF-style: chr20-10620594-A-G.
Other names: short protein forms V1070A.
Identifiers: ClinVar variation 1728897 (VCV001728897.4), dbSNP rs374654050, ClinGen allele CA9764247.
Genomic context (GRCh38, chr20:10,639,946, plus strand): 5'-TAGAAGGCCGTCACCAAGCAACAGATCCAAGCCACAGTTAAGACAGAGCTCAGCAAGGGA[A>G]CAAGGAAATCTGTAAGGCAGGCACAAAACCAATTAACTCTCCAAGAAAGAAAGAAAAAAG-3'
Protein context (NP_000205.1, residues 1060-1080): RPLKNRTDFL[Val1070Ala]PLLSSVLTVA

ClinVar aggregate classification (germline): Conflicting classifications of pathogenicity. Review status: criteria provided, conflicting classifications (1 of 4 stars). 2 submissions from 2 submitters: Uncertain significance (1); Benign (1). Last evaluated 2024-07-31.

Conditions:
Alagille syndrome due to a JAG1 point mutation. Also called: Alagille Syndrome 1; JAG1-Related Alagille Syndrome; HEPATIC DUCTULAR HYPOPLASIA, SYNDROMATIC. Identifiers: Orphanet 261619, Orphanet 52, MedGen C1956125, MONDO:0016862, OMIM 118450.
Cardiovascular phenotype. Identifiers: MedGen CN230736.

Allele frequency attached by ClinVar (database versions not stated): ExAC 0.00001; gnomAD 0.00002; TOPMed 0.00002; ESP Exome Variant Server 0.00008.
gnomAD v4.1: 3 of 1,613,766 alleles (0.00019%); highest among the groups gnomAD compares: African/African-American, 0.0013%; no homozygotes.

Submissions (2):

Labcorp Genetics (formerly Invitae), Labcorp
Classification: Benign for Alagille syndrome due to a JAG1 point mutation. Last evaluated: 2024-07-31. Review status: criteria provided, single submitter. Criteria: Invitae Variant Classification Sherloc (09022015). Collection method: clinical testing. Allele origin: germline.

Ambry Genetics
Classification: Uncertain significance for Cardiovascular phenotype. Last evaluated: 2022-09-19. Review status: criteria provided, single submitter. Criteria: Ambry Variant Classification Scheme 2023. Collection method: clinical testing. Allele origin: germline.
Comment: The p.V1070A variant (also known as c.3209T>C), located in coding exon 26 of the JAG1 gene, results from a T to C substitution at nucleotide position 3209. The valine at codon 1070 is replaced by alanine, an amino acid with similar properties. This amino acid position is conserved. In addition, this alteration is predicted to be deleterious by in silico analysis. Since supporting evidence is limited at this time, the clinical significance of this alteration remains unclear.